The following is an entry in ClinVar:

NM_004385.5(VCAN):c.3374G>T (p.Arg1125Leu)

Gene: VCAN (versican; plus strand). Cytogenetic location: 5q14.3.
Variant type: single nucleotide variant.
Coding change: c.3374G>T on transcript NM_004385.5 (MANE Select); coding-DNA position 3374, G replaced by T.
Protein change: p.Arg1125Leu; replaces arginine 1125 with leucine.
Molecular consequence: missense variant. On other transcripts: intron variant (2).
Genome position (GRCh38, 1-based): chr5:83,521,680, G>T. VCF-style: chr5-83521680-G-T. GRCh37 (hg19) VCF-style: chr5-82817499-G-T.
Other names: c.3374G>T, p.Arg1125Leu (NM_001164098.2); c.1042+9284G>T (NM_001164097.2, NM_001126336.3); short protein forms R1125L.
Identifiers: ClinVar variation 1524758 (VCV001524758.6), dbSNP rs146606609, ClinGen allele CA360305917.

ClinVar aggregate classification (germline): Uncertain significance (1 of 4 stars; one submission).

gnomAD v4.1: 20 of 1,613,668 alleles (0.0012%); highest among the groups gnomAD compares: Non-Finnish European, 0.0016%; no homozygotes.

Submission:

Labcorp Genetics (formerly Invitae), Labcorp
Classification: Uncertain significance. Last evaluated: 2025-04-16. Review status: criteria provided, single submitter. Criteria: Invitae Variant Classification Sherloc (09022015). Collection method: clinical testing. Allele origin: germline.
Comment: This sequence change replaces arginine, which is basic and polar, with leucine, which is neutral and non-polar, at codon 1125 of the VCAN protein (p.Arg1125Leu). This variant is present in population databases (no rsID available, gnomAD 0.007%). This variant has not been reported in the literature in individuals affected with VCAN-related conditions. ClinVar contains an entry for this variant (Variation ID: 1524758). An algorithm developed to predict the effect of missense changes on protein structure and function (PolyPhen-2) suggests that this variant is likely to be tolerated. In summary, the available evidence is currently insufficient to determine the role of this variant in disease. Therefore, it has been classified as a Variant of Uncertain Significance.